The following is an entry in ClinVar:

NM_014140.4(SMARCAL1):c.416T>A (p.Leu139Ter)

Gene: SMARCAL1 (SNF2 related chromatin remodeling annealing helicase 1; plus strand). Cytogenetic location: 2q35.
Variant type: single nucleotide variant.
Coding change: c.416T>A on transcript NM_014140.4 (MANE Select); coding-DNA position 416, T replaced by A.
Protein change: p.Leu139Ter; replaces leucine 139 with a stop codon.
Molecular consequence: nonsense.
Genome position (GRCh38, 1-based): chr2:216,415,120, T>A. VCF-style: chr2-216415120-T-A. GRCh37 (hg19) VCF-style: chr2-217279843-T-A.
Other names: c.416T>A, p.Leu139Ter (NM_001127207.2); short protein forms L139*.
Identifiers: ClinVar variation 1410646 (VCV001410646.6), dbSNP rs2106014776, ClinGen allele CA350497252.

ClinVar aggregate classification (germline): Pathogenic (1 of 4 stars; one submission).

Conditions:
Schimke immuno-osseous dysplasia (SIOD). Also called: Schimke Immunoosseous Dysplasia. Identifiers: Orphanet 1830, MedGen C0877024, MONDO:0009458, OMIM 242900.

Submission:

Labcorp Genetics (formerly Invitae), Labcorp
Classification: Pathogenic for Schimke immuno-osseous dysplasia. Last evaluated: 2021-08-30. Review status: criteria provided, single submitter. Criteria: Invitae Variant Classification Sherloc (09022015). Collection method: clinical testing. Allele origin: germline.
Comment: This variant is not present in population databases (ExAC no frequency). This sequence change creates a premature translational stop signal (p.Leu139*) in the SMARCAL1 gene. It is expected to result in an absent or disrupted protein product. Loss-of-function variants in SMARCAL1 are known to be pathogenic (PMID: 11799392, 20301550). For these reasons, this variant has been classified as Pathogenic. This variant has not been reported in the literature in individuals affected with SMARCAL1-related conditions.

Literature cited by the submitters: PubMed 11799392; PubMed 20301550.